The following is an entry in ClinVar:

NM_032043.3(BRIP1):c.680_681del (p.Gln227fs)

Gene: BRIP1 (BRCA1 interacting DNA helicase 1; minus strand). Cytogenetic location: 17q23.2.
Variant type: Deletion.
Coding change: c.680_681del on transcript NM_032043.3 (MANE Select); coding-DNA positions 680 to 681, 2 bases deleted (AA; older notation c.680_681delAA).
Protein change: p.Gln227fs; shifts the reading frame from glutamine 227.
Molecular consequence: frameshift variant.
Genome position (GRCh38, 1-based): chr17:61,808,704-61,808,705, TT deleted on the plus strand (AA on the coding strand, the reverse complement: BRIP1 is on the minus strand). VCF-style (leftmost placement, unchanged base first): chr17-61808703-CTT-C. GRCh37 (hg19) VCF-style: chr17-59886064-CTT-C.
Other names: short protein forms Q227fs.
Identifiers: ClinVar variation 1755529 (VCV001755529.7), dbSNP rs2545199655, ClinGen allele CA2580094697.
Genomic context (GRCh38, chr17:61,808,703, plus strand): 5'-AATATATTTTGGGTATCTTGGATTTCCCTGTATGATCCTTCTTAATGGTATTCGATGACT[CTT>C]GACTGTTTCCTTGTTTAGTAGAACAACAGCACCTAGAACAGTGGCCAGGGGGCTGTAAGA-3'

ClinVar aggregate classification (germline): Pathogenic. Review status: criteria provided, multiple submitters, no conflicts (2 of 4 stars). 2 submissions from 2 submitters: Pathogenic (2). Last evaluated 2022-03-13.

Conditions:
Hereditary cancer-predisposing syndrome. Also called: Neoplastic Syndromes, Hereditary; Tumor predisposition; Hereditary neoplastic syndrome; Hereditary Cancer Syndrome. Identifiers: Orphanet 140162, MedGen C0027672, MeSH D009386, MONDO:0015356.
Fanconi anemia complementation group J. Also called: BRIP1-Related Fanconi Anemia. Identifiers: Orphanet 84, MedGen C1836860, MONDO:0012187, OMIM 609054.
Familial cancer of breast. Also called: BREAST CANCER, FAMILIAL; Hereditary breast cancer; hereditary breast carcinoma. Identifiers: Orphanet 227535, MedGen C0346153, MONDO:0016419, OMIM 114480. Disease mechanism: loss of function.

Submissions (2):

Labcorp Genetics (formerly Invitae), Labcorp
Classification: Pathogenic for Familial cancer of breast; Fanconi anemia complementation group J. Last evaluated: 2022-03-13. Review status: criteria provided, single submitter. Criteria: Invitae Variant Classification Sherloc (09022015). Collection method: clinical testing. Allele origin: germline.
Comment: This sequence change creates a premature translational stop signal (p.Gln227Argfs*7) in the BRIP1 gene. It is expected to result in an absent or disrupted protein product. Loss-of-function variants in BRIP1 are known to be pathogenic (PMID: 16116423, 17033622, 21964575). For these reasons, this variant has been classified as Pathogenic. This variant has not been reported in the literature in individuals affected with BRIP1-related conditions. This variant is not present in population databases (gnomAD no frequency).

Ambry Genetics
Classification: Pathogenic for Hereditary cancer-predisposing syndrome. Last evaluated: 2021-07-08. Review status: criteria provided, single submitter. Criteria: Ambry Variant Classification Scheme 2023. Collection method: clinical testing. Allele origin: germline.
Comment: The c.680_681delAA pathogenic mutation, located in coding exon 6 of the BRIP1 gene, results from a deletion of two nucleotides at nucleotide positions 680 to 681, causing a translational frameshift with a predicted alternate stop codon (p.Q227Rfs*7). This alteration is expected to result in loss of function by premature protein truncation or nonsense-mediated mRNA decay. This variant is considered to be rare based on population cohorts in the Genome Aggregation Database (gnomAD). As such, this alteration is interpreted as a disease-causing mutation.

Literature cited by the submitters: PubMed 16116423 (cited by Labcorp Genetics (formerly Invitae), Labcorp); PubMed 17033622 (cited by Labcorp Genetics (formerly Invitae), Labcorp); PubMed 21964575 (cited by Labcorp Genetics (formerly Invitae), Labcorp).